The following is an entry in ClinVar:

NM_138694.4(PKHD1):c.334G>A (p.Gly112Arg)

Gene: PKHD1 (PKHD1 ciliary IPT domain containing fibrocystin/polyductin; minus strand). Cytogenetic location: 6p12.2.
Variant type: single nucleotide variant.
Coding change: c.334G>A on transcript NM_138694.4 (MANE Select); coding-DNA position 334, G replaced by A.
Protein change: p.Gly112Arg; replaces glycine 112 with arginine.
Molecular consequence: missense variant.
Genome position (GRCh38, 1-based): chr6:52,079,956, C>T on the plus strand (G>A on the coding strand, the complement: PKHD1 is on the minus strand). VCF-style: chr6-52079956-C-T. GRCh37 (hg19) VCF-style: chr6-51944754-C-T.
Other names: p.Gly112Arg; c.334G>A, p.Gly112Arg (NM_170724.3); short protein forms G112R.
Identifiers: ClinVar variation 499278 (VCV000499278.65), dbSNP rs149841071, ClinGen allele CA3853963.
Genomic context (GRCh38, chr6:52,079,956, plus strand): 5'-CCACCTTGAAAGTACAGCTATCTCGTGGTCCTGGATTTGGACTGCTTACCAGCTGTCCCC[C>T]GAAGTATGCTTCCAGGAAGTACAGACCCTCATGTGCTTCAGACAGCACAGATCTGAGGAC-3'
Protein context (NP_619639.3, residues 102-122): EGLYFLEAYF[Gly112Arg]GQLVSSPNPG

ClinVar aggregate classification (germline): Conflicting classifications of pathogenicity. Review status: criteria provided, conflicting classifications (1 of 4 stars). 13 submissions from 12 submitters: Uncertain significance (8); Likely benign (1). 4 of the submissions do not count toward it. Last evaluated 2026-06-08.

Conditions:
Autosomal recessive polycystic kidney disease (ARPKD). Also called: AR polycystic kidney disease. Identifiers: Orphanet 731, Orphanet 8378, MedGen C0085548, MeSH D017044, MONDO:0009889.
PKHD1-related disorder. Also called: PKHD1-related condition.
Polycystic kidney disease 4 (PKD4). Also called: PKD3; Autosomal Recessive Polycystic Kidney Disease – PKHD1; POLYCYSTIC KIDNEY DISEASE 4 WITH OR WITHOUT POLYCYSTIC LIVER DISEASE; POLYCYSTIC KIDNEY AND HEPATIC DISEASE 1; POLYCYSTIC KIDNEY DISEASE, INFANTILE, TYPE I. Identifiers: MedGen C4540575, MONDO:0033004, OMIM 263200.
Autosomal dominant polycystic liver disease. Also called: Congenital cystic disease of liver; Polycystic liver disease. Identifiers: Orphanet 2924, MedGen C0158683, MONDO:0000447, HP:0006557.
Polycystic kidney disease. Also called: Kidney, Polycystic; Polycystic kidney dysplasia. Identifiers: MedGen C0022680, MeSH D007690, MONDO:0020642, HP:0000113.

Allele frequency attached by ClinVar (database versions not stated): gnomAD 0.00036 and 0.00039; TOPMed 0.00041; ESP Exome Variant Server 0.00046; gnomAD exomes 0.00071 and 0.00034; ExAC 0.00034.
gnomAD v4.1: 1,083 of 1,612,380 alleles (0.067%); highest among the groups gnomAD compares: Non-Finnish European, 0.087%; 1 homozygote.

Submissions (13):

PreventionGenetics, part of Exact Sciences
Classification: Uncertain significance for PKHD1-related condition. Last evaluated: 2026-06-08. Review status: criteria provided, single submitter. Criteria: ACMG Guidelines, 2015. Collection method: clinical testing. Allele origin: germline.
Comment: The PKHD1 c.334G>A variant is predicted to result in the amino acid substitution p.Gly112Arg. This variant has been reported in patients with autosomal recessive polycystic kidney disease who also carried other variants in PKHD1 or in other potential causative genes (Bergmann et al. 2005. PubMed ID: 15698423; Eisenberger et al. 2015. PubMed ID: 25646624; Supplemental methods in Dafinger et al. 2020. PubMed ID: 33112055). This variant is reported in 0.063% of alleles in individuals of European (Non-Finnish) descent in gnomAD. In gnomAD v4 (available only on GRCh38), this variant is reported in 0.086% of alleles in individuals of European (Non-Finnish) descent, including one homozygote. At this time, the clinical significance of this variant is uncertain due to the absence of conclusive functional and genetic evidence.

Labcorp Genetics (formerly Invitae), Labcorp
Classification: Likely benign for Autosomal recessive polycystic kidney disease. Last evaluated: 2026-01-27. Review status: criteria provided, single submitter. Criteria: Invitae Variant Classification Sherloc (09022015). Collection method: clinical testing. Allele origin: germline.

Mayo Clinic Laboratories, Mayo Clinic
Classification: Uncertain significance. Last evaluated: 2025-03-04. Review status: criteria provided, single submitter. Criteria: ACMG Guidelines, 2015. Collection method: clinical testing. Allele origin: germline. Observed: 1 variant allele.

GeneDx
Classification: Uncertain significance. Last evaluated: 2025-02-25. Review status: criteria provided, single submitter. Criteria: GeneDx Variant Classification Process June 2021. Collection method: clinical testing. Allele origin: germline.
Comment: Reported in the heterozygous state in another individual with suspected polycystic kidney disease, but this individual also harbored variants in the PKD1, PKD2, and ANKS6 genes (PMID: 25646624); In silico analysis supports that this missense variant has a deleterious effect on protein structure/function; This variant is associated with the following publications: (PMID: 25525159, 33112055, 25646624, 15698423)

CeGaT Center for Human Genetics Tuebingen
Classification: Uncertain significance. Last evaluated: 2024-11-01. Review status: criteria provided, single submitter. Criteria: CeGaT Center For Human Genetics Tuebingen Variant Classification Criteria Version 2. Collection method: clinical testing. Allele origin: germline. Affected: yes. Observed: 1 variant allele.
Comment: PKHD1: PM2:Supporting, BP4

Fulgent Genetics
Classification: Uncertain significance for Polycystic kidney disease 4. Last evaluated: 2024-04-14. Review status: criteria provided, single submitter. Criteria: ACMG Guidelines, 2015. Collection method: clinical testing. Allele origin: germline.

Women's Health and Genetics/Laboratory Corporation of America, LabCorp
Classification: Uncertain significance. Last evaluated: 2021-01-11. Review status: criteria provided, single submitter. Criteria: LabCorp Variant Classification Summary - May 2015. Collection method: clinical testing. Allele origin: germline.
Comment: Variant summary: PKHD1 c.334G>A (p.Gly112Arg) results in a non-conservative amino acid change in the encoded protein sequence. Four of five in-silico tools predict a benign effect of the variant on protein function. The variant allele was found at a frequency of 0.00034 in 251404 control chromosomes (gnomAD). This frequency is not higher than expected for a pathogenic variant in PKHD1 causing Polycystic Kidney And Hepatic Disease (0.00034 vs 0.0071), allowing no conclusion about variant significance. c.334G>A has been reported in the literature in individuals affected with Polycystic Kidney And Hepatic Disease (e.g. Bergmann_2005, Eisenberger_2015, Dafinger_2020). These reports do not provide unequivocal conclusions about association of the variant with Polycystic Kidney And Hepatic Disease. To our knowledge, no experimental evidence demonstrating an impact on protein function has been reported. Four ClinVar submitters (evaluation after 2014) cite the variant as uncertain significance. Based on the evidence outlined above, the variant was classified as uncertain significance.

Fulgent Genetics
Classification: Uncertain significance for Polycystic kidney disease 4. Last evaluated: 2018-10-31. Review status: criteria provided, single submitter. Criteria: ACMG Guidelines, 2015. Collection method: clinical testing. Allele origin: unknown.

Eurofins Ntd Llc (ga)
Classification: Uncertain significance. Last evaluated: 2017-12-20. Review status: criteria provided, single submitter. Criteria: EGL Classification Definitions 2015. Collection method: clinical testing. Allele origin: germline. Observed: 2 variant alleles, 2 heterozygotes.

Laboratory of Gastroenterology and Hepatology, Radboud University Medical Center
Classification: Uncertain significance for Autosomal dominant polycystic liver disease. Last evaluated: 2021-09-01. Review status: no assertion criteria provided. Collection method: research. Allele origin: germline. Affected: yes. Not counted in ClinVar's aggregate classification.

Natera, Inc.
Classification: Uncertain significance for Autosomal recessive polycystic kidney disease. Last evaluated: 2018-05-22. Review status: no assertion criteria provided. Collection method: clinical testing. Allele origin: germline. Not counted in ClinVar's aggregate classification.

Counsyl
Classification: Uncertain significance for Polycystic kidney disease 4. Last evaluated: 2017-12-07. Review status: no assertion criteria provided. Collection method: clinical testing. Allele origin: unknown. Not counted in ClinVar's aggregate classification.

Department of Pathology and Laboratory Medicine, Sinai Health System
Classification: Uncertain significance for Polycystic Kidney disease. Review status: no assertion criteria provided. Collection method: clinical testing. Allele origin: unknown. Affected: yes. Study: The Canadian Open Genetics Repository (COGR). Not counted in ClinVar's aggregate classification.
Comment: The PKHD1 p.Gly112Arg variant was identified in 1 of 328 proband chromosomes (frequency: 0.003) from individuals or families with autosomal-recessive polycystic kidney disease (ARPKD; Bergmann 2005). The variant was also identified in dbSNP (ID: rs149841071) as N/A, LOVD 3.0, RWTH AAachen University ARPKD database (classified as pathogenic). The variant was not identified in ClinVar or GeneInsight-COGR databases. The variant was identified in control databases in 95 of 277140 chromosomes at a frequency of 0.0003 increasing the likelihood this could be a low frequency benign variant (Genome Aggregation Consortium Feb 27, 2017). The p.Gly112 residue is not conserved in mammals and computational analyses (PolyPhen-2, SIFT, AlignGVGD, BLOSUM, MutationTaster) provide inconsistent predictions regarding the impact to the protein; this information is not very predictive of pathogenicity. The variant occurs outside of the splicing consensus sequence and 1 of 5 in silico or computational prediction software programs (SpliceSiteFinder, MaxEntScan, NNSPLICE, GeneSplicer, HumanSpliceFinder) predict a greater than 10% difference in splicing; this is not very predictive of pathogenicity. In summary, based on the above information, the clinical significance of this variant cannot be determined with certainty at this time. This variant is classified as a variant of uncertain significance.

Literature cited by the submitters: PubMed 15698423 (cited by 3 submitters); PubMed 25525159 (cited by Mayo Clinic Laboratories, Mayo Clinic and Counsyl); PubMed 25646624 (cited by 3 submitters); PubMed 33112055 (cited by Mayo Clinic Laboratories, Mayo Clinic and Women's Health and Genetics/Laboratory Corporation of America, LabCorp).